The following is an entry in ClinVar:

NM_003982.4(SLC7A7):c.916G>T (p.Gly306Ter)

Gene: SLC7A7 (solute carrier family 7 member 7; minus strand). Cytogenetic location: 14q11.2.
Variant type: single nucleotide variant.
Coding change: c.916G>T on transcript NM_003982.4 (MANE Select); coding-DNA position 916, G replaced by T.
Protein change: p.Gly306Ter; replaces glycine 306 with a stop codon.
Molecular consequence: nonsense.
Genome position (GRCh38, 1-based): chr14:22,775,915, C>A on the plus strand (G>T on the coding strand, the complement: SLC7A7 is on the minus strand). VCF-style: chr14-22775915-C-A. GRCh37 (hg19) VCF-style: chr14-23245124-C-A.
Other names: c.916G>T, p.Gly306Ter (NM_001126105.3, NM_001126106.4); short protein forms G306*.
Identifiers: ClinVar variation 4814595 (VCV004814595.1).

ClinVar aggregate classification (germline): Likely pathogenic (1 of 4 stars; one submission).

Conditions:
Lysinuric protein intolerance (LPI). Identifiers: Orphanet 470, MedGen C0268647, MONDO:0009109, OMIM 222700.

Submission:

Natera, Inc.
Classification: Likely pathogenic for Lysinuric protein intolerance. Last evaluated: 2024-12-02. Review status: criteria provided, single submitter. Criteria: Natera Variant Classification Schema (03/2026). Collection method: clinical testing. Allele origin: germline.
Comment: The c.916G>T variant in SLC7A7 is a nonsense variant predicted to introduce a stop codon at amino acid 306. This variant is expected to result in nonsense mediated decay, truncation, or a dysfunctional protein product. This variant is rare in the general population with a frequency below the threshold expected for the associated phenotype(s). Given the available evidence, this variant is classified as Likely Pathogenic.